The following is an entry in ClinVar:

ClinVar aggregate classification (germline): Uncertain significance. Review status: criteria provided, multiple submitters, no conflicts (2 of 4 stars). 2 submissions from 2 submitters: Uncertain significance (2). Last evaluated 2024-06-15.

Conditions:
Hypertrophic cardiomyopathy. Also called: HYPERTROPHIC MYOCARDIOPATHY. Identifiers: Orphanet 217569, MedGen C0007194, MeSH D002312, MONDO:0005045, HP:0001639.

Allele frequency attached by ClinVar (database versions not stated): gnomAD 0.00001.
gnomAD v4.1: 5 of 1,613,796 alleles (0.00031%); highest among the groups gnomAD compares: East Asian, 0.0067%; no homozygotes.

Submissions (2):

Labcorp Genetics (formerly Invitae), Labcorp
Classification: Uncertain significance for Hypertrophic cardiomyopathy. Last evaluated: 2024-06-15. Review status: criteria provided, single submitter. Criteria: Invitae Variant Classification Sherloc (09022015). Collection method: clinical testing. Allele origin: germline.
Comment: This sequence change falls in intron 7 of the TPM1 gene. It does not directly change the encoded amino acid sequence of the TPM1 protein. It affects a nucleotide within the consensus splice site. This variant is present in population databases (no rsID available, gnomAD 0.006%). This variant has not been reported in the literature in individuals affected with TPM1-related conditions. Variants that disrupt the consensus splice site are a relatively common cause of aberrant splicing (PMID: 17576681, 9536098). Algorithms developed to predict the effect of sequence changes on RNA splicing suggest that this variant is not likely to affect RNA splicing. In summary, the available evidence is currently insufficient to determine the role of this variant in disease. Therefore, it has been classified as a Variant of Uncertain Significance.

All of Us Research Program, National Institutes of Health
Classification: Uncertain significance for Hypertrophic cardiomyopathy. Last evaluated: 2023-07-10. Review status: criteria provided, single submitter. Criteria: ACMG Guidelines, 2015. Collection method: clinical testing. Allele origin: germline. Inheritance: Autosomal dominant inheritance. Observed: 2 variant alleles, 2 heterozygotes.
Comment: This variant causes an A to G nucleotide substitution at the +6 position of intron 7 of the TPM1 gene. To our knowledge, functional studies have not been reported for this variant. This variant has not been reported in individuals affected with TPM1-related disorders in the literature. This variant has been identified in 1/251374 chromosomes in the general population by the Genome Aggregation Database (gnomAD). The available evidence is insufficient to determine the role of this variant in disease conclusively. Therefore, this variant is classified as a Variant of Uncertain Significance.

This study involves interpretation of variants in research participants for the purpose of population health screening. Participant phenotype was not available at the time of variant classification. Additional details can be found in publication PMID: 35346344, PMCID: PMC8962531

Literature cited by the submitters: PubMed 17576681 (cited by Labcorp Genetics (formerly Invitae), Labcorp); PubMed 9536098 (cited by Labcorp Genetics (formerly Invitae), Labcorp).

NM_001018005.2(TPM1):c.702+6A>G

Gene: TPM1 (tropomyosin 1; plus strand). Cytogenetic location: 15q22.2.
Variant type: single nucleotide variant.
Coding change: c.702+6A>G on transcript NM_001018005.2 (MANE Select); 6 bases into the intron after coding-DNA position 702, A replaced by G.
Molecular consequence: intron variant.
Genome position (GRCh38, 1-based): chr15:63,062,283, A>G. VCF-style: chr15-63062283-A-G. GRCh37 (hg19) VCF-style: chr15-63354482-A-G.
Other names: c.828+6A>G (NM_001365778.1, NM_001407323.1, NM_001407322.1 and 1 more transcripts); c.702+6A>G (NM_001407336.1, NM_001018020.2, NM_001407338.1 and 20 more transcripts); c.594+6A>G (NM_001330351.2, NM_001330344.2, NM_001018008.2 and 9 more transcripts).
Identifiers: ClinVar variation 2918248 (VCV002918248.4), dbSNP rs919873413, ClinGen allele CA272034098.